The following is an entry in ClinVar:

NM_001927.4(DES):c.214A>T (p.Ser72Cys)

Gene: DES (desmin; plus strand). Cytogenetic location: 2q35.
Variant type: single nucleotide variant.
Coding change: c.214A>T on transcript NM_001927.4 (MANE Select); coding-DNA position 214, A replaced by T.
Protein change: p.Ser72Cys; replaces serine 72 with cysteine.
Molecular consequence: missense variant.
Genome position (GRCh38, 1-based): chr2:219,418,676, A>T. VCF-style: chr2-219418676-A-T. GRCh37 (hg19) VCF-style: chr2-220283398-A-T.
Other names: c.214A>T, p.Ser72Cys (NM_001382708.1, NM_001382709.1, NM_001382710.1 and 3 more transcripts); short protein forms S72C.
Identifiers: ClinVar variation 3756420 (VCV003756420.2).

ClinVar aggregate classification (germline): Uncertain significance (1 of 4 stars; one submission).

Conditions:
Desmin-related myofibrillar myopathy (MFM1). Also called: Desminopathy; Desmin related myopathy (former name); Desmin storage myopathy (former name); MYOFIBRILLAR MYOPATHY WITH ARRHYTHMOGENIC RIGHT VENTRICULAR CARDIOMYOPATHY; DESMIN-RELATED MYOPATHY WITH ARRHYTHMOGENIC RIGHT VENTRICULAR CARDIOMYOPATHY; Myofibrillar myopathy 1. Identifiers: Orphanet 363543, Orphanet 98909, MedGen C1832370, MONDO:0011076, OMIM 601419.

Submission:

Labcorp Genetics (formerly Invitae), Labcorp
Classification: Uncertain significance for Desmin-related myofibrillar myopathy. Last evaluated: 2024-05-19. Review status: criteria provided, single submitter. Criteria: Invitae Variant Classification Sherloc (09022015). Collection method: clinical testing. Allele origin: germline.
Comment: This sequence change replaces serine, which is neutral and polar, with cysteine, which is neutral and slightly polar, at codon 72 of the DES protein (p.Ser72Cys). This variant is not present in population databases (gnomAD no frequency). This variant has not been reported in the literature in individuals affected with DES-related conditions. Advanced modeling of protein sequence and biophysical properties (such as structural, functional, and spatial information, amino acid conservation, physicochemical variation, residue mobility, and thermodynamic stability) has been performed at Invitae for this missense variant, however the output from this modeling did not meet the statistical confidence thresholds required to predict the impact of this variant on DES protein function. In summary, the available evidence is currently insufficient to determine the role of this variant in disease. Therefore, it has been classified as a Variant of Uncertain Significance.